The following is an entry in ClinVar:

NM_001369.3(DNAH5):c.2780C>A (p.Ser927Ter)

Genes: DNAH5-AS1 (DNAH5 antisense RNA 1; plus strand), DNAH5 (dynein axonemal heavy chain 5; minus strand). Cytogenetic location: 5p15.2.
Variant type: single nucleotide variant.
Coding change: c.2780C>A on transcript NM_001369.3 (MANE Select); coding-DNA position 2780, C replaced by A.
Protein change: p.Ser927Ter; replaces serine 927 with a stop codon.
Molecular consequence: nonsense.
Genome position (GRCh38, 1-based): chr5:13,885,192, G>T on the plus strand (C>A on the coding strand, the complement: DNAH5 is on the minus strand). VCF-style: chr5-13885192-G-T. GRCh37 (hg19) VCF-style: chr5-13885301-G-T.
Other names: short protein forms S927*.
Identifiers: ClinVar variation 1725315 (VCV001725315.2), dbSNP rs2547038533, ClinGen allele CA359195715.

ClinVar aggregate classification (germline): Likely pathogenic (1 of 4 stars; one submission).

Conditions:
Primary ciliary dyskinesia 3. Identifiers: Orphanet 244, MedGen C1837618, MONDO:0012085, OMIM 608644.

Submission:

Myriad Genetics, Inc.
Classification: Likely pathogenic for Primary ciliary dyskinesia 3. Last evaluated: 2022-03-15. Review status: criteria provided, single submitter. Criteria: Myriad Women's Health Autosomal Recessive and X-Linked Classification Criteria (2021). Collection method: clinical testing. Allele origin: unknown.
Comment: NM_001369.2(DNAH5):c.2780C>A(S927*) is expected to be pathogenic in the context of DNAH5-related primary ciliary dyskinesia. This variant is predicted to lead to an abnormal or absent protein product due to the creation of a premature termination codon in DNAH5, a gene where loss-of-function variants are known to be pathogenic. Please note: this variant was assessed in the context of healthy population screening.